The following is an entry in ClinVar:

NM_022725.4(FANCF):c.623C>T (p.Ala208Val)

Gene: FANCF (FA complementation group F; minus strand). Cytogenetic location: 11p14.3.
Variant type: single nucleotide variant.
Coding change: c.623C>T on transcript NM_022725.4 (MANE Select); coding-DNA position 623, C replaced by T.
Protein change: p.Ala208Val; replaces alanine 208 with valine.
Molecular consequence: missense variant.
Genome position (GRCh38, 1-based): chr11:22,625,188, G>A on the plus strand (C>T on the coding strand, the complement: FANCF is on the minus strand). VCF-style: chr11-22625188-G-A. GRCh37 (hg19) VCF-style: chr11-22646734-G-A.
Other names: short protein forms A208V.
Identifiers: ClinVar variation 2957528 (VCV002957528.3), dbSNP rs752979565, ClinGen allele CA380058659.

ClinVar aggregate classification (germline): Uncertain significance (1 of 4 stars; one submission).

Conditions:
Fanconi anemia (FA). Also called: Fanconi's anemia. Identifiers: Orphanet 84, MedGen C0015625, MeSH D005199, MONDO:0019391.

Submission:

Labcorp Genetics (formerly Invitae), Labcorp
Classification: Uncertain significance for Fanconi anemia. Last evaluated: 2026-01-20. Review status: criteria provided, single submitter. Criteria: Invitae Variant Classification Sherloc (09022015). Collection method: clinical testing. Allele origin: germline.
Comment: This sequence change replaces alanine, which is neutral and non-polar, with valine, which is neutral and non-polar, at codon 208 of the FANCF protein (p.Ala208Val). This variant is not present in population databases (gnomAD no frequency). This variant has not been reported in the literature in individuals affected with FANCF-related conditions. ClinVar contains an entry for this variant (Variation ID: 2957528). Invitae Evidence Modeling of protein sequence and biophysical properties (such as structural, functional, and spatial information, amino acid conservation, physicochemical variation, residue mobility, and thermodynamic stability) has been performed for this missense variant. However, the output from this modeling did not meet the statistical confidence thresholds required to predict the impact of this variant on FANCF protein function. In summary, the available evidence is currently insufficient to determine the role of this variant in disease. Therefore, it has been classified as a Variant of Uncertain Significance.